The following is an entry in ClinVar:

NM_015340.4(LARS2):c.945G>C (p.Ser315=)

Gene: LARS2 (leucyl-tRNA synthetase 2, mitochondrial; plus strand). Cytogenetic location: 3p21.31.
Variant type: single nucleotide variant.
Coding change: c.945G>C on transcript NM_015340.4 (MANE Select); coding-DNA position 945, G replaced by C.
Protein change: p.Ser315=; no amino-acid change (serine 315 retained).
Molecular consequence: synonymous variant.
Genome position (GRCh38, 1-based): chr3:45,476,554, G>C. VCF-style: chr3-45476554-G-C. GRCh37 (hg19) VCF-style: chr3-45518046-G-C.
Other names: c.945G>C, p.Ser315= (NM_001368263.1).
Identifiers: ClinVar variation 226707 (VCV000226707.43), dbSNP rs145135580, ClinGen allele CA2349458.

ClinVar aggregate classification (germline): Benign/Likely benign. Review status: criteria provided, multiple submitters, no conflicts (2 of 4 stars). 6 submissions from 6 submitters: Benign (3); Likely benign (1). 2 of the submissions do not count toward it. Last evaluated 2026-08-01.

Conditions:
LARS2-related disorder. Also called: LARS2-related condition.

Allele frequency attached by ClinVar (database versions not stated): 1000 Genomes Project 30x 0.00172; TOPMed 0.00202; 1000 Genomes Project 0.00499.
gnomAD v4.1: 4,607 of 1,614,020 alleles (0.29%); highest among the groups gnomAD compares: Non-Finnish European, 0.25%; 27 homozygotes.

Submissions (14):

CeGaT Center for Human Genetics Tuebingen
Classification: Likely benign. Last evaluated: 2026-08-01. Review status: criteria provided, single submitter. Criteria: CeGaT Center For Human Genetics Tuebingen Variant Classification Criteria Version 2. Collection method: clinical testing. Allele origin: germline. Affected: yes. Observed: 23 variant alleles.
Comment: LARS2: BP4, BP7

Labcorp Genetics (formerly Invitae), Labcorp
Classification: Benign. Last evaluated: 2026-01-26. Review status: criteria provided, single submitter. Criteria: Invitae Variant Classification Sherloc (09022015). Collection method: clinical testing. Allele origin: germline.

GeneDx
Classification: Benign. Last evaluated: 2016-08-04. Review status: criteria provided, single submitter. Criteria: GeneDx Variant Classification (06012015). Collection method: clinical testing. Allele origin: germline. Affected: yes.
Comment: This variant is considered likely benign or benign based on one or more of the following criteria: it is a conservative change, it occurs at a poorly conserved position in the protein, it is predicted to be benign by multiple in silico algorithms, and/or has population frequency not consistent with disease.

Laboratory for Molecular Medicine, Mass General Brigham Personalized Medicine
Classification: Benign. Last evaluated: 2014-11-24. Review status: criteria provided, single submitter. Criteria: LMM Criteria. Collection method: clinical testing. Allele origin: germline. Observed: 5 variant alleles.
Comment: Ser315Ser in exon 10 of LARS2: This variant is not expected to have clinical sig nificance because it does not alter an amino acid residue and is not located wit hin the splice consensus sequence. It has been identified in 13.6% (15/110) of P uerto Rican chromosomes from a broad population by the 1000 Genomes Project (dbSNP rs145135580).

PreventionGenetics, part of Exact Sciences
Classification: Benign for LARS2-related condition. Last evaluated: 2019-06-15. Review status: no assertion criteria provided. Collection method: clinical testing. Allele origin: germline. Not counted in ClinVar's aggregate classification.
Comment: This variant is classified as benign based on ACMG/AMP sequence variant interpretation guidelines (Richards et al. 2015 PMID: 25741868, with internal and published modifications).

Mayo Clinic Laboratories, Mayo Clinic
Classification: Likely benign. Last evaluated: 2016-02-29. Review status: no assertion criteria provided. Collection method: clinical testing. Allele origin: unknown. Not counted in ClinVar's aggregate classification.

Dr. Peter K. Rogan Lab, Western University
No classification provided (evidence only). Condition: Clear cell carcinoma of kidney. Review status: no classification provided. Collection method: in vitro. Allele origin: not applicable. Functional consequence: retained intron. Not counted in ClinVar's aggregate classification.

Dr. Peter K. Rogan Lab, Western University
No classification provided (evidence only). Condition: Familial cancer of breast. Review status: no classification provided. Collection method: in vitro. Allele origin: not applicable. Functional consequence: retained intron. Not counted in ClinVar's aggregate classification.

Dr. Peter K. Rogan Lab, Western University
No classification provided (evidence only). Condition: Familial cancer of breast. Review status: no classification provided. Collection method: in vitro. Allele origin: not applicable. Functional consequence: retained intron. Not counted in ClinVar's aggregate classification.

Dr. Peter K. Rogan Lab, Western University
No classification provided (evidence only). Condition: Colon adenocarcinoma. Review status: no classification provided. Collection method: in vitro. Allele origin: not applicable. Functional consequence: retained intron. Not counted in ClinVar's aggregate classification.

Dr. Peter K. Rogan Lab, Western University
No classification provided (evidence only). Condition: Thyroid cancer, nonmedullary, 1. Review status: no classification provided. Collection method: in vitro. Allele origin: not applicable. Functional consequence: retained intron. Not counted in ClinVar's aggregate classification.

Dr. Peter K. Rogan Lab, Western University
No classification provided (evidence only). Condition: Gastric cancer. Review status: no classification provided. Collection method: in vitro. Allele origin: not applicable. Functional consequence: retained intron. Not counted in ClinVar's aggregate classification.

Dr. Peter K. Rogan Lab, Western University
No classification provided (evidence only). Condition: Gastric cancer. Review status: no classification provided. Collection method: in vitro. Allele origin: not applicable. Functional consequence: retained intron. Not counted in ClinVar's aggregate classification.

Dr. Peter K. Rogan Lab, Western University
No classification provided (evidence only). Condition: Gastric cancer. Review status: no classification provided. Collection method: in vitro. Allele origin: not applicable. Functional consequence: retained intron. Not counted in ClinVar's aggregate classification.